The following is an entry in ClinVar:

ClinVar aggregate classification (germline): Pathogenic. Review status: reviewed by expert panel (3 of 4 stars). 3 submissions from 3 submitters: Pathogenic (1). 2 of the submissions do not count toward it. Last evaluated 2016-09-08.

Conditions:
Breast-ovarian cancer, familial, susceptibility to, 2 (BROVCA2). Also called: BRCA2 Hereditary Breast and Ovarian Cancer. Identifiers: Orphanet 145, MedGen C2675520, MONDO:0012933, OMIM 612555. Disease mechanism: loss of function.
Hereditary cancer-predisposing syndrome. Also called: Neoplastic Syndromes, Hereditary; Tumor predisposition; Hereditary Cancer Syndrome; Hereditary neoplastic syndrome. Identifiers: Orphanet 140162, MedGen C0027672, MeSH D009386, MONDO:0015356.

Submissions (3):

Evidence-based Network for the Interpretation of Germline Mutant Alleles (ENIGMA)
Classification: Pathogenic for Breast-ovarian cancer, familial, susceptibility to, 2. Last evaluated: 2016-09-08. Review status: reviewed by expert panel. Criteria: ENIGMA BRCA1/2 Classification Criteria (2015). Collection method: curation. Allele origin: germline.
Comment: Variant allele predicted to encode a truncated non-functional protein.

Ambry Genetics
Classification: Pathogenic for Hereditary cancer-predisposing syndrome. Last evaluated: 2019-09-14. Review status: criteria provided, single submitter. Criteria: Ambry Variant Classification Scheme 2023. Collection method: clinical testing. Allele origin: germline. Not counted in ClinVar's aggregate classification.
Comment: The c.3737delA pathogenic mutation, located in coding exon 10 of the BRCA2 gene, results from a deletion of one nucleotide at nucleotide position 3737, causing a translational frameshift with a predicted alternate stop codon (p.N1246Ifs*13). This alteration is expected to result in loss of function by premature protein truncation or nonsense-mediated mRNA decay. As such, this alteration is interpreted as a disease-causing mutation.

Breast Cancer Information Core (BIC) (BRCA2)
Classification: Pathogenic for Breast-ovarian cancer, familial 2. Last evaluated: 2002-06-20. Review status: no assertion criteria provided. Collection method: clinical testing. Allele origin: germline. Affected: yes. Observed: 1 variant allele. Not counted in ClinVar's aggregate classification.

NM_000059.4(BRCA2):c.3737del (p.Asn1246fs)

Gene: BRCA2 (BRCA2 DNA repair associated; plus strand). Cytogenetic location: 13q13.1.
Variant type: Deletion.
Coding change: c.3737del on transcript NM_000059.4 (MANE Select); coding-DNA position 3737, one base deleted (A; older notation c.3737delA).
Protein change: p.Asn1246fs; shifts the reading frame from asparagine 1246.
Molecular consequence: frameshift variant.
Genome position (GRCh38, 1-based): chr13:32,338,092, A deleted; the last of 2 consecutive A bases (chr13:32,338,091-32,338,092); deleting either gives the same sequence. VCF-style (leftmost placement, unchanged base first): chr13-32338090-GA-G. GRCh37 (hg19) VCF-style: chr13-32912227-GA-G.
Other names: 3965delA; c.3737delA (NM_000059.3); short protein forms N1246fs.
Identifiers: ClinVar variation 51512 (VCV000051512.6), dbSNP rs80359402, ClinGen allele CA018679.